The following is an entry in ClinVar:

ClinVar aggregate classification (germline): Likely benign. Review status: criteria provided, multiple submitters, no conflicts (2 of 4 stars). 3 submissions from 3 submitters: Likely benign (2). 1 of the submissions does not count toward it. Last evaluated 2024-03-12.

Conditions:
McCune-Albright syndrome (MAS). Also called: Fibrous Dysplasia / McCune-Albright Syndrome; ALBRIGHT SYNDROME; Albright's Syndrome; Albright's disease; McCune-Albright syndrome, somatic, mosaic. Identifiers: Orphanet 562, MedGen C0242292, MONDO:0018919, OMIM 174800.
Pseudohypoparathyroidism type 1C (PHP1C). Also called: PSEUDOHYPOPARATHYROIDISM, TYPE IC; PHP IC; Pseudohypoparathyroidism Ic (PHP-Ic). Identifiers: Orphanet 79444, MedGen C2932716, MONDO:0012911, OMIM 612462.
ACTH-independent macronodular adrenal hyperplasia 1 (AIMAH1). Also called: ACTH-INDEPENDENT MACRONODULAR ADRENOCORTICAL HYPERPLASIA; ACTH-independent macronodular adrenal hyperplasia, somatic; CORTICOTROPIN-INDEPENDENT MACRONODULAR ADRENAL HYPERPLASIA; CUSHING SYNDROME, ADRENAL, DUE TO AIMAH; ADRENOCORTICOTROPIC HORMONE-INDEPENDENT MACRONODULAR ADRENAL HYPERPLASIA. Identifiers: MedGen C1857451, MONDO:0020735, OMIM 219080.
Pseudohypoparathyroidism type I A (PHP1A). Also called: Pseudohypoparathyroidism Type IA; ALBRIGHT HEREDITARY OSTEODYSTROPHY WITH MULTIPLE HORMONE RESISTANCE; PHP IA; Pseudohypoparathyroidism type 1A; Pseudohypoparathyroidism Ia (PHP-Ia). Identifiers: Orphanet 79443, MedGen C3494506, MONDO:0007078, OMIM 103580.
Pseudohypoparathyroidism type 1B (PHP1B). Also called: PHP IB; Pseudohypoparathyroidism Ib (PHP-Ib); Pseudohypoparathyroidism Type IB. Identifiers: Orphanet 94089, MedGen C1864100, MONDO:0011301, OMIM 603233.
Pseudopseudohypoparathyroidism (PPHP). Also called: ALBRIGHT HEREDITARY OSTEODYSTROPHY WITHOUT MULTIPLE HORMONE RESISTANCE; Pseudopseudohypoparathyroidism (PPHP). Identifiers: Orphanet 79445, MedGen C0033835, MONDO:0012912, OMIM 612463.
Progressive osseous heteroplasia (POH). Also called: Osseus Heteroplasia, Progressive; ECTOPIC OSSIFICATION, FAMILIAL; Progressive Osseus Heteroplasia (POH); Osteoma cutis. Identifiers: Orphanet 2762, MedGen C0334041, MONDO:0008153, OMIM 166350, HP:0025027.
Pituitary adenoma 3, multiple types. Also called: PITUITARY ADENOMA 3, ACTH-SECRETING, SOMATIC; PITUITARY ADENOMA 3, GROWTH HORMONE-SECRETING, SOMATIC. Identifiers: MedGen C4540135, MONDO:0054665, OMIM 617686.
GNAS-related disorder. Identifiers: MedGen CN380105.

Allele frequency attached by ClinVar (database versions not stated): ExAC 0.00001; gnomAD 0.00001; gnomAD exomes 0.00001 and 0.00003; TOPMed 0.00002.
gnomAD v4.1: 19 of 1,613,904 alleles (0.0012%); highest among the groups gnomAD compares: Middle Eastern, 0.066%; no homozygotes.

Submissions (3):

Labcorp Genetics (formerly Invitae), Labcorp
Classification: Likely benign. Last evaluated: 2024-03-12. Review status: criteria provided, single submitter. Criteria: Invitae Variant Classification Sherloc (09022015). Collection method: clinical testing. Allele origin: germline.

Fulgent Genetics
Classification: Likely benign for Pseudohypoparathyroidism type I A; Progressive osseous heteroplasia; McCune-Albright syndrome; ACTH-independent macronodular adrenal hyperplasia 1; Pseudohypoparathyroidism type 1B; Pseudohypoparathyroidism type 1C; Pseudopseudohypoparathyroidism; Pituitary adenoma 3, multiple types. Last evaluated: 2021-07-21. Review status: criteria provided, single submitter. Criteria: ACMG Guidelines, 2015. Collection method: clinical testing. Allele origin: unknown.

PreventionGenetics, part of Exact Sciences
Classification: Likely benign for GNAS-related condition. Last evaluated: 2021-03-16. Review status: no assertion criteria provided. Collection method: clinical testing. Allele origin: germline. Not counted in ClinVar's aggregate classification.
Comment: This variant is classified as likely benign based on ACMG/AMP sequence variant interpretation guidelines (Richards et al. 2015 PMID: 25741868, with internal and published modifications).

NM_000516.7(GNAS):c.738C>T (p.Phe246=)

Gene: GNAS (GNAS complex locus; plus strand). Cytogenetic location: 20q13.32.
Variant type: single nucleotide variant.
Coding change: c.738C>T on transcript NM_000516.7 (MANE Select); coding-DNA position 738, C replaced by T.
Protein change: p.Phe246=; no amino-acid change (phenylalanine 246 retained).
Molecular consequence: synonymous variant. On other transcripts: 3 prime UTR variant (2).
Genome position (GRCh38, 1-based): chr20:58,909,703, C>T. VCF-style: chr20-58909703-C-T. GRCh37 (hg19) VCF-style: chr20-57484758-C-T.
Other names: c.738C>T (NM_000516.5); c.741C>T, p.Phe247= (NM_001077488.5); c.693C>T, p.Phe231= (NM_001077489.4); c.*599C>T (NM_001077490.3); c.561C>T, p.Phe187= (NM_001309840.2, NM_001309861.2); c.*644C>T (NM_016592.5); c.2667C>T, p.Phe889= (NM_080425.4); c.696C>T, p.Phe232= (NM_080426.4).
Identifiers: ClinVar variation 1560162 (VCV001560162.11), dbSNP rs772094317, ClinGen allele CA9927226.